The following is an entry in ClinVar:

NM_000535.7(PMS2):c.2121T>G (p.Tyr707Ter)

Gene: PMS2 (PMS1 homolog 2, mismatch repair system component; minus strand). Cytogenetic location: 7p22.1.
Variant type: single nucleotide variant.
Coding change: c.2121T>G on transcript NM_000535.7 (MANE Select); coding-DNA position 2121, T replaced by G.
Protein change: p.Tyr707Ter; replaces tyrosine 707 with a stop codon.
Molecular consequence: nonsense. On other transcripts: non-coding transcript variant (1).
Genome position (GRCh38, 1-based): chr7:5,982,877, A>C on the plus strand (T>G on the coding strand, the complement: PMS2 is on the minus strand). VCF-style: chr7-5982877-A-C. GRCh37 (hg19) VCF-style: chr7-6022508-A-C.
Other names: c.1803T>G, p.Tyr601Ter (NM_001322008.2, NM_001406876.1, NM_001406883.1 and 1 more transcripts); c.1716T>G, p.Tyr572Ter (NM_001322009.2, NM_001406887.1, NM_001406888.1 and 15 more transcripts); c.1560T>G, p.Tyr520Ter (NM_001322010.2, NM_001406906.1, NM_001406907.1); c.1188T>G, p.Tyr396Ter (NM_001322011.2, NM_001322012.2); c.1548T>G, p.Tyr516Ter (NM_001322013.2, NM_001406909.1); c.2121T>G, p.Tyr707Ter (NM_001322014.2, NM_001406871.1); c.1812T>G, p.Tyr604Ter (NM_001322015.2, NM_001406875.1, NM_001406877.1 and 5 more transcripts); c.2307T>G, p.Tyr769Ter (NM_001406866.1); and 13 more; short protein forms Y450*, Y516*, Y536*, Y549*, Y599*, Y601*, Y671*, Y707*.
Identifiers: ClinVar variation 1786260 (VCV001786260.2), dbSNP rs1562615123, ClinGen allele CA366737949.
Genomic context (GRCh38, chr7:5,982,877, plus strand): 5'-CACTCACGCTATGAGCCTCTGCCCCTGGAGCACGGTGTGCTGCTGCAGCATCTCGAAGTT[A>C]TACTTCTCGTCCGTGGCATGCTGGTCCACTATGAAGATATCCTCATTCAGTTTGGTTATT-3'

ClinVar aggregate classification (germline): Pathogenic (1 of 4 stars; one submission).

Conditions:
Hereditary cancer-predisposing syndrome. Also called: Neoplastic Syndromes, Hereditary; Tumor predisposition; Hereditary Cancer Syndrome; Hereditary neoplastic syndrome. Identifiers: Orphanet 140162, MedGen C0027672, MeSH D009386, MONDO:0015356.

Submission:

Ambry Genetics
Classification: Pathogenic for Hereditary cancer-predisposing syndrome. Last evaluated: 2022-05-24. Review status: criteria provided, single submitter. Criteria: Ambry Variant Classification Scheme 2023. Collection method: clinical testing. Allele origin: germline.
Comment: The p.Y707* pathogenic mutation (also known as c.2121T>G), located in coding exon 12 of the PMS2 gene, results from a T to G substitution at nucleotide position 2121. This changes the amino acid from a tyrosine to a stop codon within coding exon 12. This alteration is expected to result in loss of function by premature protein truncation or nonsense-mediated mRNA decay. As such, this alteration is interpreted as a disease-causing mutation.